The following is an entry in ClinVar:

NM_001130987.2(DYSF):c.2590G>A (p.Ala864Thr)

Gene: DYSF (dysferlin; plus strand). Cytogenetic location: 2p13.2.
Variant type: single nucleotide variant.
Coding change: c.2590G>A on transcript NM_001130987.2 (MANE Select); coding-DNA position 2590, G replaced by A.
Protein change: p.Ala864Thr; replaces alanine 864 with threonine.
Molecular consequence: missense variant.
Genome position (GRCh38, 1-based): chr2:71,567,975, G>A. VCF-style: chr2-71567975-G-A. GRCh37 (hg19) VCF-style: chr2-71795105-G-A.
Other names: c.2539G>A, p.Ala847Thr (NM_001130455.2, NM_001130983.2); c.2494G>A, p.Ala832Thr (NM_001130976.2, NM_001130977.2); c.2536G>A, p.Ala846Thr (NM_001130978.2, NM_003494.4); c.2629G>A, p.Ala877Thr (NM_001130979.2); c.2587G>A, p.Ala863Thr (NM_001130980.2, NM_001130981.2); c.2632G>A, p.Ala878Thr (NM_001130982.2); c.2497G>A, p.Ala833Thr (NM_001130984.2, NM_001130986.2); c.2590G>A, p.Ala864Thr (NM_001130985.2); short protein forms A846T, A864T, A863T, A833T, A877T, A878T, A832T, A847T.
Identifiers: ClinVar variation 336960 (VCV000336960.14), dbSNP rs143632564, ClinGen allele CA1706230.

ClinVar aggregate classification (germline): Uncertain significance. Review status: criteria provided, multiple submitters, no conflicts (2 of 4 stars). 4 submissions from 4 submitters: Uncertain significance (3). 1 of the submissions does not count toward it. Last evaluated 2025-11-12.

Conditions:
Neuromuscular disease caused by qualitative or quantitative defects of dysferlin. Also called: Dysferlinopathy; Qualitative or quantitative defects of dysferlin. Identifiers: Orphanet 207073, MedGen C2931687, MONDO:0016145.
Autosomal recessive limb-girdle muscular dystrophy type 2B (LGMDR2). Also called: MUSCULAR DYSTROPHY, LIMB-GIRDLE, TYPE 3; Limb-girdle muscular dystrophy, type 2B; Limb-Girdle Muscular Dystrophy Type 2B (LGMD2B); MUSCULAR DYSTROPHY, LIMB-GIRDLE, AUTOSOMAL RECESSIVE 2. Identifiers: Orphanet 268, MedGen C1850889, MONDO:0009676, OMIM 253601.
Inborn genetic diseases. Identifiers: MedGen C0950123, MeSH D030342.

Allele frequency attached by ClinVar (database versions not stated): gnomAD 0.00007 and 0.00008; ESP Exome Variant Server 0.00008; gnomAD exomes 0.00009 and 0.00004; ExAC 0.00003; TOPMed 0.00006.
gnomAD v4.1: 146 of 1,613,986 alleles (0.009%); highest among the groups gnomAD compares: Middle Eastern, 0.016%; no homozygotes.

Submissions (4):

Ambry Genetics
Classification: Uncertain significance for Inborn genetic diseases. Last evaluated: 2025-11-12. Review status: criteria provided, single submitter. Criteria: Ambry Variant Classification Scheme 2023. Collection method: clinical testing. Allele origin: germline.

Labcorp Genetics (formerly Invitae), Labcorp
Classification: Uncertain significance for Neuromuscular disease caused by qualitative or quantitative defects of dysferlin. Last evaluated: 2025-09-22. Review status: criteria provided, single submitter. Criteria: Invitae Variant Classification Sherloc (09022015). Collection method: clinical testing. Allele origin: germline.
Comment: This sequence change replaces alanine, which is neutral and non-polar, with threonine, which is neutral and polar, at codon 846 of the DYSF protein (p.Ala846Thr). This variant is present in population databases (rs143632564, gnomAD 0.008%). This variant has not been reported in the literature in individuals affected with DYSF-related conditions. ClinVar contains an entry for this variant (Variation ID: 336960). Invitae Evidence Modeling of protein sequence and biophysical properties (such as structural, functional, and spatial information, amino acid conservation, physicochemical variation, residue mobility, and thermodynamic stability) indicates that this missense variant is not expected to disrupt DYSF protein function with a negative predictive value of 95%. In summary, the available evidence is currently insufficient to determine the role of this variant in disease. Therefore, it has been classified as a Variant of Uncertain Significance.

Revvity Omics, Revvity
Classification: Uncertain significance. Last evaluated: 2024-03-27. Review status: criteria provided, single submitter. Criteria: ACMG Guidelines, 2015. Collection method: clinical testing. Allele origin: germline.

Natera, Inc.
Classification: Uncertain significance for Limb-girdle muscular dystrophy type 2B. Last evaluated: 2019-10-28. Review status: no assertion criteria provided. Collection method: clinical testing. Allele origin: germline. Not counted in ClinVar's aggregate classification.